The following is an entry in ClinVar:

NM_004085.4(TIMM8A):c.133-1G>A

Gene: TIMM8A (translocase of inner mitochondrial membrane 8A; minus strand). Cytogenetic location: Xq22.1.
Variant type: single nucleotide variant.
Coding change: c.133-1G>A on transcript NM_004085.4 (MANE Select); the canonical splice acceptor site of the intron before coding-DNA position 133, G replaced by A.
Molecular consequence: splice acceptor variant. On other transcripts: 3 prime UTR variant (1).
Genome position (GRCh38, 1-based): chrX:101,346,661, C>T on the plus strand (G>A on the coding strand, the complement: TIMM8A is on the minus strand). VCF-style: chrX-101346661-C-T. GRCh37 (hg19) VCF-style: chrX-100601649-C-T.
Other names: c.*1726G>A (NM_001145951.2).
Identifiers: ClinVar variation 3601878 (VCV003601878.1).

ClinVar aggregate classification (germline): Pathogenic (1 of 4 stars; one submission).

Conditions:
Deafness dystonia syndrome (MTS). Also called: DYSTONIA-DEAFNESS SYNDROME, X-LINKED; Opticoacustic nerve atrophy with dementia; Nerve deafness optic nerve atrophy, and dementia; Syndrome of opticoacoustic nerve atrophy with dementia; Deafness-Dystonia-Optic Neuronopathy Syndrome; DEAFNESS SYNDROME, PROGRESSIVE, WITH BLINDNESS, DYSTONIA, FRACTURES, AND MENTAL DEFICIENCY. Identifiers: Orphanet 52368, MedGen C0796074, MONDO:0010578, OMIM 304700.

Submission:

Institute of Rare Diseases, West China Hospital, Sichuan University
Classification: Pathogenic for Deafness dystonia syndrome. Last evaluated: 2025-01-09. Review status: criteria provided, single submitter. Criteria: ClinGen HL ACMG Specifications v1. Collection method: research. Allele origin: germline. Affected: yes.
Comment: PVS1;PM3_Supporting;PS2;PM2_Supporting